The following is an entry in ClinVar:

ClinVar aggregate classification (germline): Likely benign. Review status: criteria provided, multiple submitters, no conflicts (2 of 4 stars). 2 submissions from 2 submitters: Likely benign (2). Last evaluated 2025-12-01.

Conditions:
Inborn genetic diseases. Identifiers: MedGen C0950123, MeSH D030342.

Allele frequency attached by ClinVar (database versions not stated): ESP Exome Variant Server 0.00078.
gnomAD v4.1: 3,059 of 1,584,180 alleles (0.19%); highest among the groups gnomAD compares: Non-Finnish European, 0.22%; 3 homozygotes.

Submissions (2):

CeGaT Center for Human Genetics Tuebingen
Classification: Likely benign. Last evaluated: 2025-12-01. Review status: criteria provided, single submitter. Criteria: CeGaT Center For Human Genetics Tuebingen Variant Classification Criteria Version 2. Collection method: clinical testing. Allele origin: germline. Affected: yes. Observed: 2 variant alleles.
Comment: MTCL1: BP4, BS2

Ambry Genetics
Classification: Likely benign for Inborn genetic diseases. Last evaluated: 2024-02-06. Review status: criteria provided, single submitter. Criteria: Ambry Variant Classification Scheme 2023. Collection method: clinical testing. Allele origin: germline.

NM_001395333.1(MTCL1):c.2890G>A (p.Ala964Thr)

Gene: MTCL1 (microtubule crosslinking factor 1; plus strand). Cytogenetic location: 18p11.22.
Variant type: single nucleotide variant.
Coding change: c.2890G>A on transcript NM_001395333.1 (MANE Select); coding-DNA position 2890, G replaced by A.
Protein change: p.Ala964Thr; replaces alanine 964 with threonine.
Molecular consequence: missense variant.
Genome position (GRCh38, 1-based): chr18:8,786,014, G>A. VCF-style: chr18-8786014-G-A. GRCh37 (hg19) VCF-style: chr18-8786012-G-A.
Other names: c.1810G>A (NM_015210.3); c.2890G>A, p.Ala964Thr (NM_001378205.1, NM_001378206.1, NM_001378207.1); c.1810G>A, p.Ala604Thr (NM_001395220.1, NM_015210.4); short protein forms A604T, A964T.
Identifiers: ClinVar variation 2648557 (VCV002648557.25), dbSNP rs201927020, ClinGen allele CA8886039.